The following is an entry in ClinVar:

NM_001199267.2(DGKZ):c.1111C>T (p.Pro371Ser)

Gene: DGKZ (diacylglycerol kinase zeta; plus strand). Cytogenetic location: 11p11.2.
Variant type: single nucleotide variant.
Coding change: c.1111C>T on transcript NM_001199267.2 (MANE Select); coding-DNA position 1111, C replaced by T.
Protein change: p.Pro371Ser; replaces proline 371 with serine.
Molecular consequence: missense variant.
Genome position (GRCh38, 1-based): chr11:46,372,813, C>T. VCF-style: chr11-46372813-C-T. GRCh37 (hg19) VCF-style: chr11-46394363-C-T.
Other names: c.1678C>T, p.Pro560Ser (NM_001105540.2); c.1114C>T, p.Pro372Ser (NM_001199266.2, NM_003646.4); c.1045C>T, p.Pro349Ser (NM_001199268.2); c.1162C>T, p.Pro388Ser (NM_201532.3); c.1126C>T, p.Pro376Ser (NM_201533.3); short protein forms P560S, P388S, P349S, P371S, P372S, P376S.
Identifiers: ClinVar variation 225052 (VCV000225052.4), dbSNP rs869312943, ClinGen allele CA358156.

ClinVar aggregate classification (germline): Uncertain significance (1 of 4 stars; one submission).

Conditions:
Inborn genetic diseases. Identifiers: MedGen C0950123, MeSH D030342.

Submission:

Ambry Genetics
Classification: Uncertain significance for Inborn genetic diseases. Last evaluated: 2012-10-30. Review status: criteria provided, single submitter. Criteria: Ambry Autosomal Dominant and X-Linked criteria (10/2015). Collection method: clinical testing. Allele origin: germline. Observed: 1 variant allele.
Comment: Co-segregation data for this variant is currently unavailable. This variant has not been detected in conjunction with a pathogenic mutation to date. Allele frequency data in population-based cohorts is not currently available. This amino acid position is completely conserved among available vertebrate species.This alteration is predicted to be probably damaging with a score of 0.921 (sensitivity: 0.68; specificity: 0.91)This alteration is predicted to be tolerated with a score of 0.220 (conservation: 2.48)